The following is an entry in ClinVar:

ClinVar aggregate classification (germline): Pathogenic/Likely pathogenic. Review status: criteria provided, multiple submitters, no conflicts (2 of 4 stars). 2 submissions from 2 submitters: Pathogenic (1); Likely pathogenic (1). Last evaluated 2017-12-05.

gnomAD v4.1: 2 of 1,613,260 alleles (0.00012%); highest among the groups gnomAD compares: Non-Finnish European, 0.00017%; no homozygotes.

Submissions (2):

ARUP Laboratories, Molecular Genetics and Genomics, ARUP Laboratories
Classification: Likely pathogenic. Last evaluated: 2017-12-05. Review status: criteria provided, single submitter. Criteria: ARUP Molecular Germline Variant Investigation Process. Collection method: clinical testing. Allele origin: germline.

GeneDx
Classification: Pathogenic. Last evaluated: 2015-10-13. Review status: criteria provided, single submitter. Criteria: GeneDx Variant Classification (06012015). Collection method: clinical testing. Allele origin: germline. Affected: yes.
Comment: The Y168S pathogenic variant in the GAMT gene has been previously reported in the homozygous state in an individual with phenotypic and biochemical evidence of GAMT deficiency (Bodamer et al., 2009). It was not observed in approximately 6,500 individuals of European and African American ancestry in the NHLBI Exome Sequencing Project, indicating it is not a common benign variant in these populations. This semi-conservative substitution occurs at a position that is conserved across species, and in silico analysis predicts this variant is probably damaging to the protein structure/function. Additionally, missense variants in nearby residues (C169R/Y, L166P) have been reported in the Human Gene Mutation Database in association with GAMT deficiency (Stenson et al., 2014), supporting the functional importance of this region of the protein. Therefore, Y168S is considered a pathogenic variant.

NM_000156.6(GAMT):c.503A>C (p.Tyr168Ser)

Gene: GAMT (guanidinoacetate N-methyltransferase; minus strand). Cytogenetic location: 19p13.3.
Variant type: single nucleotide variant.
Coding change: c.503A>C on transcript NM_000156.6 (MANE Select); coding-DNA position 503, A replaced by C.
Protein change: p.Tyr168Ser; replaces tyrosine 168 with serine.
Molecular consequence: missense variant.
Genome position (GRCh38, 1-based): chr19:1,398,983, T>G on the plus strand (A>C on the coding strand, the complement: GAMT is on the minus strand). VCF-style: chr19-1398983-T-G. GRCh37 (hg19) VCF-style: chr19-1398982-T-G.
Other names: c.503A>C, p.Tyr168Ser (NM_138924.3); short protein forms Y168S.
Identifiers: ClinVar variation 429874 (VCV000429874.9), dbSNP rs1131691644, ClinGen allele CA402994540.
Genomic context (GRCh38, chr19:1,398,983, plus strand): 5'-ATGATGGTGATGTCTGAGTACTTGGACTTCATCAGCTCCCCCCAGGAGGTGAGGTTGCAG[T>G]AGGTGAGGACGCCCCCCGGCTTCAGCAGGCGAAAGGCGTGGTTCTGTGGAAGGGGAGTGG-3'
Protein context (NP_000147.1, residues 158-178): RLLKPGGVLT[Tyr168Ser]CNLTSWGELM